The following is an entry in ClinVar:

NM_000256.3(MYBPC3):c.3077C>A (p.Thr1026Lys)

Gene: MYBPC3 (myosin binding protein C3; minus strand). Cytogenetic location: 11p11.2.
Variant type: single nucleotide variant.
Coding change: c.3077C>A on transcript NM_000256.3 (MANE Select); coding-DNA position 3077, C replaced by A.
Protein change: p.Thr1026Lys; replaces threonine 1026 with lysine.
Molecular consequence: missense variant.
Genome position (GRCh38, 1-based): chr11:47,333,670, G>T on the plus strand (C>A on the coding strand, the complement: MYBPC3 is on the minus strand). VCF-style: chr11-47333670-G-T. GRCh37 (hg19) VCF-style: chr11-47355221-G-T.
Other names: short protein forms T1026K.
Identifiers: ClinVar variation 4715132 (VCV004715132.1).
Genomic context (GRCh38, chr11:47,333,670, plus strand): 5'-GTCACCTGGTAAGTGCCTGAATGCACGCGGCGAGCGGCCCGGATGAACAGGATGGTGTCT[G>T]TGGGGCTGTTGCGGATGCTCACCTCCTCGCCTGCCAGGGGCTGCCCCTCTTTGGTCCAGG-3'
Protein context (NP_000247.2, residues 1016-1036): GEEVSIRNSP[Thr1026Lys]DTILFIRAAR

ClinVar aggregate classification (germline): Uncertain significance (1 of 4 stars; one submission).

Conditions:
Hypertrophic cardiomyopathy. Also called: HYPERTROPHIC MYOCARDIOPATHY. Identifiers: Orphanet 217569, MedGen C0007194, MeSH D002312, MONDO:0005045, HP:0001639.

Submission:

Labcorp Genetics (formerly Invitae), Labcorp
Classification: Uncertain significance for Hypertrophic cardiomyopathy. Last evaluated: 2025-04-09. Review status: criteria provided, single submitter. Criteria: Invitae Variant Classification Sherloc (09022015). Collection method: clinical testing. Allele origin: germline.
Comment: This sequence change replaces threonine, which is neutral and polar, with lysine, which is basic and polar, at codon 1026 of the MYBPC3 protein (p.Thr1026Lys). This variant is not present in population databases (gnomAD no frequency). This variant has not been reported in the literature in individuals affected with MYBPC3-related conditions. An algorithm developed to predict the effect of missense changes on protein structure and function (PolyPhen-2) suggests that this variant is likely to be tolerated. In summary, the available evidence is currently insufficient to determine the role of this variant in disease. Therefore, it has been classified as a Variant of Uncertain Significance.